The following is an entry in ClinVar:

NM_000171.4(GLRA1):c.194T>G (p.Val65Gly)

Gene: GLRA1 (glycine receptor alpha 1; minus strand). Cytogenetic location: 5q33.1.
Variant type: single nucleotide variant.
Coding change: c.194T>G on transcript NM_000171.4 (MANE Select); coding-DNA position 194, T replaced by G.
Protein change: p.Val65Gly; replaces valine 65 with glycine.
Molecular consequence: missense variant. On other transcripts: 5 prime UTR variant (1).
Genome position (GRCh38, 1-based): chr5:151,886,779, A>C on the plus strand (T>G on the coding strand, the complement: GLRA1 is on the minus strand). VCF-style: chr5-151886779-A-C. GRCh37 (hg19) VCF-style: chr5-151266340-A-C.
Other names: c.194T>G, p.Val65Gly (NM_001146040.2); c.-56T>G (NM_001292000.2); short protein forms V65G.
Identifiers: ClinVar variation 1375512 (VCV001375512.6), dbSNP rs2113407361, ClinGen allele CA361846613.
Genomic context (GRCh38, chr5:151,886,779, plus strand): 5'-ACCATGGTTGTCTCAGCAATGGAACCAAAGCTGTTGATGAAAATGTTGCAGCTCACGTTC[A>C]CTGGGGGACCTGCCAATCAAGAGAGATTCCTGCTTAGCCCCAAGGCCATGGAAGAACCCA-3'
Protein context (NP_000162.2, residues 55-75): RIRPNFKGPP[Val65Gly]NVSCNIFINS

ClinVar aggregate classification (germline): Uncertain significance (1 of 4 stars; one submission).

Conditions:
Hereditary hyperekplexia. Identifiers: Orphanet 3197, MedGen C4084968, MONDO:0021022.

Submission:

Labcorp Genetics (formerly Invitae), Labcorp
Classification: Uncertain significance for Hereditary hyperekplexia. Last evaluated: 2023-08-07. Review status: criteria provided, single submitter. Criteria: Invitae Variant Classification Sherloc (09022015). Collection method: clinical testing. Allele origin: germline.
Comment: This sequence change replaces valine, which is neutral and non-polar, with glycine, which is neutral and non-polar, at codon 65 of the GLRA1 protein (p.Val65Gly). This variant is not present in population databases (gnomAD no frequency). This variant has not been reported in the literature in individuals affected with GLRA1-related conditions. ClinVar contains an entry for this variant (Variation ID: 1375512). Advanced modeling of protein sequence and biophysical properties (such as structural, functional, and spatial information, amino acid conservation, physicochemical variation, residue mobility, and thermodynamic stability) performed at Invitae indicates that this missense variant is expected to disrupt GLRA1 protein function. In summary, the available evidence is currently insufficient to determine the role of this variant in disease. Therefore, it has been classified as a Variant of Uncertain Significance.